The following is an entry in ClinVar:

NC_000003.11:g.(?_52443560)_(52443894_?)dup

Gene: BAP1 (BRCA1 associated deubiquitinase 1; minus strand). Cytogenetic location: 3p21.1.
Variant type: Duplication.
Identifiers: ClinVar variation 3246920 (VCV003246920.1).

ClinVar aggregate classification (germline): Uncertain significance (1 of 4 stars; one submission).

Conditions:
BAP1-related tumor predisposition syndrome (TPDS1). Also called: BAP1 tumor predisposition syndrome; COMMON Syndrome; TUMOR PREDISPOSITION SYNDROME 1; Tumor susceptibility linked to germline BAP1 mutations. Identifiers: Orphanet 289539, MedGen C3280492, MONDO:0013692, OMIM 614327.

Submission:

Labcorp Genetics (formerly Invitae), Labcorp
Classification: Uncertain significance for BAP1-related tumor predisposition syndrome. Last evaluated: 2023-05-21. Review status: criteria provided, single submitter. Criteria: Invitae Variant Classification Sherloc (09022015). Collection method: clinical testing. Allele origin: unknown.
Comment: In summary, the available evidence is currently insufficient to determine the role of this variant in disease. Therefore, it has been classified as a Variant of Uncertain Significance. Experimental studies and prediction algorithms are not available or were not evaluated, and the functional significance of this variant is currently unknown. This variant has not been reported in the literature in individuals affected with BAP1-related conditions. This variant results in a copy number gain of the genomic region encompassing exon(s) 1-3 of the BAP1 gene. This region includes the initiator codon of the gene. This copy number gain extends beyond the assayed region for this gene and therefore may encompass additional genes. As the precise location of this event is unknown, it may be in tandem or it may be located elsewhere in the genome.